The following is an entry in ClinVar:

ClinVar aggregate classification (germline): Uncertain significance (1 of 4 stars; one submission).

Conditions:
Congenital myasthenic syndrome 2A. Also called: Myasthenic syndrome, congenital, 2a, slow-channel. Identifiers: Orphanet 590, MedGen C4225374, MONDO:0014581, OMIM 616313.

Allele frequency attached by ClinVar (database versions not stated): gnomAD exomes below 0.00001; TOPMed 0.00002; ESP Exome Variant Server 0.00008.
gnomAD v4.1: 5 of 1,614,200 alleles (0.00031%); highest among the groups gnomAD compares: African/African-American, 0.0013%; no homozygotes.

Submission:

Labcorp Genetics (formerly Invitae), Labcorp
Classification: Uncertain significance for Congenital myasthenic syndrome 2A. Last evaluated: 2023-11-06. Review status: criteria provided, single submitter. Criteria: Invitae Variant Classification Sherloc (09022015). Collection method: clinical testing. Allele origin: germline.
Comment: This sequence change replaces serine, which is neutral and polar, with phenylalanine, which is neutral and non-polar, at codon 135 of the CHRNB1 protein (p.Ser135Phe). This variant is not present in population databases (gnomAD no frequency). This variant has not been reported in the literature in individuals affected with CHRNB1-related conditions. Advanced modeling of protein sequence and biophysical properties (such as structural, functional, and spatial information, amino acid conservation, physicochemical variation, residue mobility, and thermodynamic stability) performed at Invitae indicates that this missense variant is not expected to disrupt CHRNB1 protein function with a negative predictive value of 80%. In summary, the available evidence is currently insufficient to determine the role of this variant in disease. Therefore, it has been classified as a Variant of Uncertain Significance.

NM_000747.3(CHRNB1):c.404C>T (p.Ser135Phe)

Gene: CHRNB1 (cholinergic receptor nicotinic beta 1 subunit; plus strand). Cytogenetic location: 17p13.1.
Variant type: single nucleotide variant.
Coding change: c.404C>T on transcript NM_000747.3 (MANE Select); coding-DNA position 404, C replaced by T.
Protein change: p.Ser135Phe; replaces serine 135 with phenylalanine.
Molecular consequence: missense variant.
Genome position (GRCh38, 1-based): chr17:7,447,093, C>T. VCF-style: chr17-7447093-C-T. GRCh37 (hg19) VCF-style: chr17-7350412-C-T.
Other names: short protein forms S135F.
Identifiers: ClinVar variation 2738564 (VCV002738564.3), dbSNP rs142983471, ClinGen allele CA287424227.